The following is an entry in ClinVar:

NM_001174150.2(ARL13B):c.-50C>A

Gene: ARL13B (ADP ribosylation factor like GTPase 13B; plus strand). Cytogenetic location: 3q11.1.
Variant type: single nucleotide variant.
Coding change: c.-50C>A on transcript NM_001174150.2 (MANE Select); 50 bases upstream of the start codon, C replaced by A.
Molecular consequence: 5 prime UTR variant. On other transcripts: non-coding transcript variant (2).
Genome position (GRCh38, 1-based): chr3:93,980,374, C>A. VCF-style: chr3-93980374-C-A. GRCh37 (hg19) VCF-style: chr3-93699218-C-A.
Other names: c.-288C>A (NM_001174151.2); c.-217C>A (NM_001321328.2); c.-50C>A (NM_144996.4, NM_182896.3).
Identifiers: ClinVar variation 346906 (VCV000346906.1), dbSNP rs199505618, ClinGen allele CA2503703.

ClinVar aggregate classification (germline): Likely benign (1 of 4 stars; one submission).

Allele frequency attached by ClinVar (database versions not stated): 1000 Genomes Project 30x 0.00031; 1000 Genomes Project 0.00040; TOPMed 0.00107; ESP Exome Variant Server 0.00146.
gnomAD v4.1: 2,740 of 1,604,612 alleles (0.17%); highest among the groups gnomAD compares: Non-Finnish European, 0.18%; 7 homozygotes.

Submission:

GeneDx
Classification: Likely benign. Last evaluated: 2017-10-27. Review status: criteria provided, single submitter. Criteria: GeneDx Variant Classification (06012015). Collection method: clinical testing. Allele origin: germline. Affected: yes.
Comment: This variant is considered likely benign or benign based on one or more of the following criteria: it is a conservative change, it occurs at a poorly conserved position in the protein, it is predicted to be benign by multiple in silico algorithms, and/or has population frequency not consistent with disease.